The following is an entry in ClinVar:

ClinVar aggregate classification (germline): Uncertain significance. Review status: criteria provided, multiple submitters, no conflicts (2 of 4 stars). 2 submissions from 2 submitters: Uncertain significance (2). Last evaluated 2025-12-08.

Conditions:
Inborn genetic diseases. Identifiers: MedGen C0950123, MeSH D030342.

Allele frequency attached by ClinVar (database versions not stated): gnomAD exomes 0.00002; gnomAD 0.00004; TOPMed 0.00006.
gnomAD v4.1: 18 of 1,559,886 alleles (0.0012%); highest among the groups gnomAD compares: Admixed American, 0.017%; no homozygotes.

Submissions (2):

Ambry Genetics
Classification: Uncertain significance for Inborn genetic diseases. Last evaluated: 2025-12-08. Review status: criteria provided, single submitter. Criteria: Ambry Variant Classification Scheme 2023. Collection method: clinical testing. Allele origin: germline.

Labcorp Genetics (formerly Invitae), Labcorp
Classification: Uncertain significance. Last evaluated: 2024-05-29. Review status: criteria provided, single submitter. Criteria: Invitae Variant Classification Sherloc (09022015). Collection method: clinical testing. Allele origin: germline.
Comment: This sequence change replaces serine, which is neutral and polar, with tyrosine, which is neutral and polar, at codon 104 of the MPLKIP protein (p.Ser104Tyr). The frequency data for this variant in the population databases is considered unreliable, as metrics indicate poor data quality at this position in the gnomAD database. This variant has not been reported in the literature in individuals affected with MPLKIP-related conditions. ClinVar contains an entry for this variant (Variation ID: 1438447). An algorithm developed to predict the effect of missense changes on protein structure and function (PolyPhen-2) suggests that this variant is likely to be disruptive. In summary, the available evidence is currently insufficient to determine the role of this variant in disease. Therefore, it has been classified as a Variant of Uncertain Significance.

NM_138701.4(MPLKIP):c.311C>A (p.Ser104Tyr)

Gene: MPLKIP (M-phase specific PLK1 interacting protein; minus strand). Cytogenetic location: 7p14.1.
Variant type: single nucleotide variant.
Coding change: c.311C>A on transcript NM_138701.4 (MANE Select); coding-DNA position 311, C replaced by A.
Protein change: p.Ser104Tyr; replaces serine 104 with tyrosine.
Molecular consequence: missense variant.
Genome position (GRCh38, 1-based): chr7:40,134,257, G>T on the plus strand (C>A on the coding strand, the complement: MPLKIP is on the minus strand). VCF-style: chr7-40134257-G-T. GRCh37 (hg19) VCF-style: chr7-40173856-G-T.
Other names: c.311C>A (NM_138701.3); short protein forms S104Y.
Identifiers: ClinVar variation 1438447 (VCV001438447.9), dbSNP rs1053907559, ClinGen allele CA157713256.
Genomic context (GRCh38, chr7:40,134,257, plus strand): 5'-AGAGCTCGGCAAACGCTGGCTATTATTATTACCTGGGGGTGGGTCTGCTGCTGCCCTGGG[G>T]AGTAGCCGAATTGCTGCTGGGACCCCGCGGGGGACCTGGAGTAGGAGCCAGGGTAGCCGC-3'
Protein context (NP_619646.1, residues 94-114): PAGSQQQFGY[Ser104Tyr]PGQQQTHPQG